The following is an entry in ClinVar:

NM_000718.4(CACNA1B):c.6974G>C (p.Arg2325Pro)

Gene: CACNA1B (calcium voltage-gated channel subunit alpha1 B; plus strand). Cytogenetic location: 9q34.3.
Variant type: single nucleotide variant.
Coding change: c.6974G>C on transcript NM_000718.4 (MANE Select); coding-DNA position 6974, G replaced by C.
Protein change: p.Arg2325Pro; replaces arginine 2325 with proline.
Molecular consequence: missense variant. On other transcripts: 3 prime UTR variant (1).
Genome position (GRCh38, 1-based): chr9:138,121,953, G>C. VCF-style: chr9-138121953-G-C. GRCh37 (hg19) VCF-style: chr9-141016405-G-C.
Other names: c.*73G>C (NM_001243812.2); short protein forms R2325P.
Identifiers: ClinVar variation 2077987 (VCV002077987.4), dbSNP rs767110355, ClinGen allele CA375825293.
Genomic context (GRCh38, chr9:138,121,953, plus strand): 5'-ACCCTCTCCGCCGCGTGCCCAACGGTTACCACTGCACCCTGGGACTCAGCTCGGGTGGCC[G>C]AGCACGGCACAGCTACCACCACCCTGACCAAGACCACTGGTGCTAGCTGCACCGTGACCG-3'
Protein context (NP_000709.1, residues 2315-2335): HCTLGLSSGG[Arg2325Pro]ARHSYHHPDQ

ClinVar aggregate classification (germline): Uncertain significance (1 of 4 stars; one submission).

Submission:

Labcorp Genetics (formerly Invitae), Labcorp
Classification: Uncertain significance. Last evaluated: 2022-03-23. Review status: criteria provided, single submitter. Criteria: Invitae Variant Classification Sherloc (09022015). Collection method: clinical testing. Allele origin: germline.
Comment: This sequence change replaces arginine, which is basic and polar, with proline, which is neutral and non-polar, at codon 2325 of the CACNA1B protein (p.Arg2325Pro). In summary, the available evidence is currently insufficient to determine the role of this variant in disease. Therefore, it has been classified as a Variant of Uncertain Significance. Advanced modeling of protein sequence and biophysical properties (such as structural, functional, and spatial information, amino acid conservation, physicochemical variation, residue mobility, and thermodynamic stability) performed at Invitae indicates that this missense variant is not expected to disrupt CACNA1B protein function. This variant has not been reported in the literature in individuals affected with CACNA1B-related conditions. This variant is not present in population databases (gnomAD no frequency).